The following is an entry in ClinVar:

ClinVar aggregate classification (germline): Uncertain significance. Review status: criteria provided, multiple submitters, no conflicts (2 of 4 stars). 3 submissions from 3 submitters: Uncertain significance (3). Last evaluated 2025-12-02.

Conditions:
Inborn genetic diseases. Identifiers: MedGen C0950123, MeSH D030342.

Allele frequency attached by ClinVar (database versions not stated): TOPMed below 0.00001; gnomAD 0.00001; gnomAD exomes 0.00001.
gnomAD v4.1: 7 of 1,551,470 alleles (0.00045%); highest among the groups gnomAD compares: Admixed American, 0.0039%; no homozygotes.

Submissions (3):

Ambry Genetics
Classification: Uncertain significance for Inborn genetic diseases. Last evaluated: 2025-12-02. Review status: criteria provided, single submitter. Criteria: Ambry Variant Classification Scheme 2023. Collection method: clinical testing. Allele origin: germline.

Labcorp Genetics (formerly Invitae), Labcorp
Classification: Uncertain significance. Last evaluated: 2021-08-28. Review status: criteria provided, single submitter. Criteria: Invitae Variant Classification Sherloc (09022015). Collection method: clinical testing. Allele origin: germline.
Comment: This sequence change replaces isoleucine with methionine at codon 388 of the LOXHD1 protein (p.Ile388Met). The isoleucine residue is moderately conserved and there is a small physicochemical difference between isoleucine and methionine. This variant is not present in population databases (ExAC no frequency). This variant has not been reported in the literature in individuals affected with LOXHD1-related conditions. Algorithms developed to predict the effect of missense changes on protein structure and function are either unavailable or do not agree on the potential impact of this missense change (SIFT: "Deleterious"; PolyPhen-2: "Benign"; Align-GVGD: "Class C0"). Algorithms developed to predict the effect of sequence changes on RNA splicing suggest that this variant may create or strengthen a splice site. In summary, the available evidence is currently insufficient to determine the role of this variant in disease. Therefore, it has been classified as a Variant of Uncertain Significance.

Blueprint Genetics
Classification: Uncertain significance. Last evaluated: 2021-03-12. Review status: criteria provided, single submitter. Criteria: ACMG Guidelines, 2015. Collection method: clinical testing. Allele origin: germline.

NM_001384474.1(LOXHD1):c.1164C>G (p.Ile388Met)

Gene: LOXHD1 (lipoxygenase homology PLAT domains 1; minus strand). Cytogenetic location: 18q21.1.
Variant type: single nucleotide variant.
Coding change: c.1164C>G on transcript NM_001384474.1 (MANE Select); coding-DNA position 1164, C replaced by G.
Protein change: p.Ile388Met; replaces isoleucine 388 with methionine.
Molecular consequence: missense variant.
Genome position (GRCh38, 1-based): chr18:46,594,437, G>C on the plus strand (C>G on the coding strand, the complement: LOXHD1 is on the minus strand). VCF-style: chr18-46594437-G-C. GRCh37 (hg19) VCF-style: chr18-44174400-G-C.
Other names: c.1164C>G, p.Ile388Met (NM_144612.7); c.1164C>G (NM_144612.6); short protein forms I388M.
Identifiers: ClinVar variation 1441323 (VCV001441323.8), dbSNP rs1272867617, ClinGen allele CA402381161.